The following is an entry in ClinVar:

ClinVar aggregate classification (germline): Likely benign (1 of 4 stars; one submission).

Submission:

CeGaT Center for Human Genetics Tuebingen
Classification: Likely benign. Last evaluated: 2024-02-01. Review status: criteria provided, single submitter. Criteria: CeGaT Center For Human Genetics Tuebingen Variant Classification Criteria Version 2. Collection method: clinical testing. Allele origin: germline. Affected: yes. Observed: 1 variant allele.
Comment: GRIN1: PM2:Supporting, BP4, BP7

NM_007327.4(GRIN1):c.756C>A (p.Arg252=)

Gene: GRIN1 (glutamate ionotropic receptor NMDA type subunit 1; plus strand). Cytogenetic location: 9q34.3.
Variant type: single nucleotide variant.
Coding change: c.756C>A on transcript NM_007327.4 (MANE Select); coding-DNA position 756, C replaced by A.
Protein change: p.Arg252=; no amino-acid change (arginine 252 retained).
Molecular consequence: synonymous variant.
Genome position (GRCh38, 1-based): chr9:137,156,753, C>A. VCF-style: chr9-137156753-C-A. GRCh37 (hg19) VCF-style: chr9-140051205-C-A.
Other names: c.756C>A, p.Arg252= (NM_000832.7, NM_021569.4); c.819C>A, p.Arg273= (NM_001185090.2, NM_001185091.2).
Identifiers: ClinVar variation 3027042 (VCV003027042.22), dbSNP rs2538595452, ClinGen allele CA467850554.